The following is an entry in ClinVar:

ClinVar aggregate classification (germline): Pathogenic/Likely pathogenic. Review status: criteria provided, multiple submitters, no conflicts (2 of 4 stars). 3 submissions from 3 submitters: Pathogenic (2); Likely pathogenic (1). Last evaluated 2023-06-22.

Conditions:
Microcephaly, normal intelligence and immunodeficiency (NBS). Also called: BERLIN BREAKAGE SYNDROME; IMMUNODEFICIENCY, MICROCEPHALY, AND CHROMOSOMAL INSTABILITY; SEEMANOVA SYNDROME II; Immunodeficiency, microcephaly with normal intelligence; Nijmegen breakage syndrome; Microcephaly with normal intelligence immunodeficiency and lymphoreticular malignancies. Identifiers: Orphanet 647, MedGen C0398791, MONDO:0009623, OMIM 251260.
Hereditary cancer-predisposing syndrome. Also called: Tumor predisposition; Hereditary neoplastic syndrome; Hereditary Cancer Syndrome; Neoplastic Syndromes, Hereditary. Identifiers: Orphanet 140162, MedGen C0027672, MeSH D009386, MONDO:0015356.

Submissions (3):

Ambry Genetics
Classification: Pathogenic for Hereditary cancer-predisposing syndrome. Last evaluated: 2023-06-22. Review status: criteria provided, single submitter. Criteria: Ambry Variant Classification Scheme 2023. Collection method: clinical testing. Allele origin: germline.
Comment: The c.848delC pathogenic mutation, located in coding exon 7 of the NBN gene, results from a deletion of one nucleotide at nucleotide position 848, causing a translational frameshift with a predicted alternate stop codon (p.P283Lfs*11). This variant is considered to be rare based on population cohorts in the Genome Aggregation Database (gnomAD). This alteration is expected to result in loss of function by premature protein truncation or nonsense-mediated mRNA decay. As such, this alteration is interpreted as a disease-causing mutation.

Labcorp Genetics (formerly Invitae), Labcorp
Classification: Pathogenic for Microcephaly, normal intelligence and immunodeficiency. Last evaluated: 2022-05-28. Review status: criteria provided, single submitter. Criteria: Invitae Variant Classification Sherloc (09022015). Collection method: clinical testing. Allele origin: germline.
Comment: This sequence change creates a premature translational stop signal (p.Pro283Leufs*11) in the NBN gene. It is expected to result in an absent or disrupted protein product. Loss-of-function variants in NBN are known to be pathogenic (PMID: 9590180, 16415040). This variant is not present in population databases (gnomAD no frequency). This variant has not been reported in the literature in individuals affected with NBN-related conditions. ClinVar contains an entry for this variant (Variation ID: 1451317). For these reasons, this variant has been classified as Pathogenic.

Myriad Genetics, Inc.
Classification: Likely pathogenic for Microcephaly, normal intelligence and immunodeficiency. Last evaluated: 2022-01-15. Review status: criteria provided, single submitter. Criteria: Myriad Women's Health Autosomal Recessive and X-Linked Classification Criteria (2021). Collection method: clinical testing. Allele origin: unknown.
Comment: NM_002485.4(NBN):c.848delC(P283Lfs*11) is expected to be pathogenic in the context of Nijmegen breakage syndrome. This variant is predicted to lead to an abnormal or absent protein product due to the creation of a premature termination codon in NBN, a gene where loss-of-function variants are known to be pathogenic. Please note: this variant was assessed in the context of healthy population screening.

Literature cited by the submitters: PubMed 9590180 (cited by Labcorp Genetics (formerly Invitae), Labcorp); PubMed 16415040 (cited by Labcorp Genetics (formerly Invitae), Labcorp).

NM_002485.5(NBN):c.848del (p.Pro283fs)

Gene: NBN (nibrin; minus strand). Cytogenetic location: 8q21.3.
Variant type: Deletion.
Coding change: c.848del on transcript NM_002485.5 (MANE Select); coding-DNA position 848, one base deleted (C; older notation c.848delC).
Protein change: p.Pro283fs; shifts the reading frame from proline 283.
Molecular consequence: frameshift variant.
Genome position (GRCh38, 1-based): chr8:89,970,412, G deleted on the plus strand (C on the coding strand, the reverse complement: NBN is on the minus strand); the first of 2 consecutive G bases (chr8:89,970,412-89,970,413); deleting either gives the same sequence. VCF-style (leftmost placement, unchanged base first): chr8-89970411-AG-A. GRCh37 (hg19) VCF-style: chr8-90982639-AG-A.
Other names: c.848delC (NM_002485.4); c.602del, p.Pro201fs (NM_001024688.3); short protein forms P201fs, P283fs.
Identifiers: ClinVar variation 1451317 (VCV001451317.9), dbSNP rs2129827996, ClinGen allele CA2573143426.